The following is an entry in ClinVar:

NM_001353921.2(ARHGEF9):c.488A>T (p.Tyr163Phe)

Gene: ARHGEF9 (Cdc42 guanine nucleotide exchange factor 9; minus strand). Cytogenetic location: Xq11.1.
Variant type: single nucleotide variant.
Coding change: c.488A>T on transcript NM_001353921.2 (MANE Select); coding-DNA position 488, A replaced by T.
Protein change: p.Tyr163Phe; replaces tyrosine 163 with phenylalanine.
Molecular consequence: missense variant.
Genome position (GRCh38, 1-based): chrX:63,697,219, T>A on the plus strand (A>T on the coding strand, the complement: ARHGEF9 is on the minus strand). VCF-style: chrX-63697219-T-A. GRCh37 (hg19) VCF-style: chrX-62917099-T-A.
Other names: c.308A>T, p.Tyr103Phe (NM_001173479.2); c.161A>T, p.Tyr54Phe (NM_001173480.2, NM_001369042.1); c.404A>T, p.Tyr135Phe (NM_001330495.2, NM_001353927.2, NM_001369033.1 and 8 more transcripts); c.488A>T, p.Tyr163Phe (NM_001353922.2); c.506A>T, p.Tyr169Phe (NM_001353923.1); c.287A>T, p.Tyr96Phe (NM_001353924.2, NM_001353926.2, NM_001369039.1 and 1 more transcripts); c.467A>T, p.Tyr156Phe (NM_001353928.2, NM_001369030.1, NM_001369031.1 and 2 more transcripts); c.53A>T, p.Tyr18Phe (NM_001369045.1); short protein forms Y135F, Y18F, Y96F, Y103F, Y169F, Y54F, Y156F, Y163F.
Identifiers: ClinVar variation 1036422 (VCV001036422.9), dbSNP rs2051815541, ClinGen allele CA413407039.

ClinVar aggregate classification (germline): Uncertain significance (1 of 4 stars; one submission).

Conditions:
Developmental and epileptic encephalopathy, 8 (DEE8). Also called: HYPEREKPLEXIA AND EPILEPSY. Identifiers: Orphanet 163985, Orphanet 2076, MedGen C1845102, MONDO:0010375, OMIM 300607.

Submission:

Labcorp Genetics (formerly Invitae), Labcorp
Classification: Uncertain significance for Developmental and epileptic encephalopathy, 8. Last evaluated: 2020-06-03. Review status: criteria provided, single submitter. Criteria: Invitae Variant Classification Sherloc (09022015). Collection method: clinical testing. Allele origin: germline.
Comment: This sequence change replaces tyrosine with phenylalanine at codon 156 of the ARHGEF9 protein (p.Tyr156Phe). The tyrosine residue is highly conserved and there is a small physicochemical difference between tyrosine and phenylalanine. This variant is not present in population databases (ExAC no frequency). This variant has not been reported in the literature in individuals with ARHGEF9-related conditions. Algorithms developed to predict the effect of missense changes on protein structure and function are either unavailable or do not agree on the potential impact of this missense change (SIFT: "Deleterious"; PolyPhen-2: "Benign"; Align-GVGD: "Class C15"). In summary, the available evidence is currently insufficient to determine the role of this variant in disease. Therefore, it has been classified as a Variant of Uncertain Significance.